The following is an entry in ClinVar:

ClinVar aggregate classification (germline): Uncertain significance (1 of 4 stars; one submission).

Conditions:
Leigh syndrome (NULS). Also called: Leigh's necrotizing encephalopathy; Leigh's disease; Leigh Syndrome (mtDNA deletion); Leigh Disease; Subacute necrotizing encephalopathy; Necrotizing encephalopathy infantile subacute of Leigh. Identifiers: Orphanet 506, MedGen C2931891, MONDO:0009723, OMIM 256000.

Submission:

Wong Mito Lab, Molecular and Human Genetics, Baylor College of Medicine
Classification: Uncertain significance for Leigh syndrome. Last evaluated: 2019-10-17. Review status: criteria provided, single submitter. Criteria: Modified ACMG Guidelines (Unpublished). Collection method: clinical testing. Allele origin: germline.
Comment: The NC_012920.1:m.7053G>A (YP_003024028.1:p.Gly384Ter) variant in MTCO1 gene is interpretated to be a Uncertain Significance variant based on the modified ACMG guidelines (unpublished). This variant meets the following evidence codes: no criteria

NC_012920.1(MT-CO1):m.7053G>A

Gene: MT-CO1 (mitochondrially encoded cytochrome c oxidase I; plus strand).
Variant type: single nucleotide variant.
Genome position: chrM-7053-G-A.
Identifiers: ClinVar variation 692695 (VCV000692695.1), dbSNP rs1603220753, ClinGen allele CA414790915.